The following is an entry in ClinVar:

ClinVar aggregate classification (germline): Uncertain significance. Review status: criteria provided, multiple submitters, no conflicts (2 of 4 stars). 4 submissions from 4 submitters: Uncertain significance (4). Last evaluated 2025-12-13.

Conditions:
Atrial conduction disease. Identifiers: Orphanet 436242, MedGen CN221670, MONDO:0014500.

Allele frequency attached by ClinVar (database versions not stated): gnomAD 0.00001.
gnomAD v4.1: 27 of 1,613,974 alleles (0.0017%); highest among the groups gnomAD compares: South Asian, 0.0099%; no homozygotes.

Submissions (4):

Labcorp Genetics (formerly Invitae), Labcorp
Classification: Uncertain significance. Last evaluated: 2025-12-13. Review status: criteria provided, single submitter. Criteria: Invitae Variant Classification Sherloc (09022015). Collection method: clinical testing. Allele origin: germline.
Comment: This sequence change replaces alanine, which is neutral and non-polar, with valine, which is neutral and non-polar, at codon 671 of the TNNI3K protein (p.Ala671Val). This variant is present in population databases (rs201064243, gnomAD 0.01%). This variant has not been reported in the literature in individuals affected with TNNI3K-related conditions. ClinVar contains an entry for this variant (Variation ID: 1308510). An algorithm developed to predict the effect of missense changes on protein structure and function outputs the following: PolyPhen-2: "Benign". The valine amino acid residue is found in multiple mammalian species, which suggests that this missense change does not adversely affect protein function. In summary, the available evidence is currently insufficient to determine the role of this variant in disease. Therefore, it has been classified as a Variant of Uncertain Significance.

Blueprint Genetics
Classification: Uncertain significance. Last evaluated: 2024-07-08. Review status: criteria provided, single submitter. Criteria: ACMG Guidelines, 2015. Collection method: clinical testing. Allele origin: germline.

Genome-Nilou Lab
Classification: Uncertain significance for Cardiac conduction disease with or without dilated cardiomyopathy 1. Last evaluated: 2023-04-11. Review status: criteria provided, single submitter. Criteria: ACMG Guidelines, 2015. Collection method: clinical testing. Allele origin: germline. Affected: no.

GeneDx
Classification: Uncertain significance. Last evaluated: 2019-04-11. Review status: criteria provided, single submitter. Criteria: GeneDx Variant Classification Process June 2021. Collection method: clinical testing. Allele origin: germline. Affected: yes.
Comment: Not observed at a significant frequency in large population cohorts (Lek et al., 2016); In silico analysis, which includes protein predictors and evolutionary conservation, supports that this variant does not alter protein structure/function; Has not been previously published as pathogenic or benign to our knowledge

NM_015978.3(TNNI3K):c.2012C>T (p.Ala671Val)

Genes: FPGT-TNNI3K (FPGT-TNNI3K readthrough; plus strand), TNNI3K (TNNI3 interacting kinase; plus strand). Cytogenetic location: 1p31.1.
Variant type: single nucleotide variant.
Coding change: c.2012C>T on transcript NM_015978.3 (MANE Select); coding-DNA position 2012, C replaced by T.
Protein change: p.Ala671Val; replaces alanine 671 with valine.
Molecular consequence: missense variant.
Genome position (GRCh38, 1-based): chr1:74,463,441, C>T. VCF-style: chr1-74463441-C-T. GRCh37 (hg19) VCF-style: chr1-74929125-C-T.
Other names: c.2315C>T, p.Ala772Val (NM_001112808.3, NM_001199327.2); short protein forms A671V, A772V.
Identifiers: ClinVar variation 1308510 (VCV001308510.11), dbSNP rs201064243, ClinGen allele CA909561.